The following is an entry in ClinVar:

ClinVar aggregate classification (germline): Uncertain significance (1 of 4 stars; one submission).

Conditions:
Familial adenomatous polyposis 1 (FAP1). Also called: POLYPOSIS, ADENOMATOUS INTESTINAL; FAMILIAL ADENOMATOUS POLYPOSIS 1, ATTENUATED. Identifiers: MedGen C2713442, MONDO:0021056, OMIM 175100. Disease mechanism: loss of function.

Submission:

Labcorp Genetics (formerly Invitae), Labcorp
Classification: Uncertain significance for Familial adenomatous polyposis 1. Last evaluated: 2019-02-02. Review status: criteria provided, single submitter. Criteria: Invitae Variant Classification Sherloc (09022015). Collection method: clinical testing. Allele origin: germline.
Comment: This sequence change replaces serine with proline at codon 2034 of the APC protein (p.Ser2034Pro). The serine residue is highly conserved and there is a moderate physicochemical difference between serine and proline. This variant is not present in population databases (ExAC no frequency). This variant has not been reported in the literature in individuals with APC-related conditions. Algorithms developed to predict the effect of missense changes on protein structure and function (SIFT, PolyPhen-2, Align-GVGD) all suggest that this variant is likely to be disruptive, but these predictions have not been confirmed by published functional studies and their clinical significance is uncertain. In summary, the available evidence is currently insufficient to determine the role of this variant in disease. Therefore, it has been classified as a Variant of Uncertain Significance.

NM_000038.6(APC):c.6100T>C (p.Ser2034Pro)

Gene: APC (APC regulator of Wnt signaling pathway; plus strand). Cytogenetic location: 5q22.2.
Variant type: single nucleotide variant.
Coding change: c.6100T>C on transcript NM_000038.6 (MANE Select); coding-DNA position 6100, T replaced by C.
Protein change: p.Ser2034Pro; replaces serine 2034 with proline.
Molecular consequence: missense variant.
Genome position (GRCh38, 1-based): chr5:112,841,694, T>C. VCF-style: chr5-112841694-T-C. GRCh37 (hg19) VCF-style: chr5-112177391-T-C.
Other names: c.6100T>C, p.Ser2034Pro (NM_001127510.3, NM_001354895.2); c.6046T>C, p.Ser2016Pro (NM_001127511.3); c.6154T>C, p.Ser2052Pro (NM_001354896.2); c.6130T>C, p.Ser2044Pro (NM_001354897.2); c.6025T>C, p.Ser2009Pro (NM_001354898.2); c.6016T>C, p.Ser2006Pro (NM_001354899.2); c.5977T>C, p.Ser1993Pro (NM_001354900.2); c.5923T>C, p.Ser1975Pro (NM_001354901.2); and 5 more; short protein forms S1908P, S1943P, S2009P, S1975P, S2006P, S2044P, S2052P, S1993P.
Identifiers: ClinVar variation 861625 (VCV000861625.11), dbSNP rs1766134330, ClinGen allele CA16034684.